The following is an entry in ClinVar:

NM_001042492.3(NF1):c.6006+5_6006+25del

Gene: NF1 (neurofibromin 1; plus strand). Cytogenetic location: 17q11.2.
Variant type: Deletion.
Coding change: c.6006+5_6006+25del on transcript NM_001042492.3 (MANE Select); bases 5 to 25 of the intron after coding-DNA position 6006, 21 bases deleted (TGAGTTTGCTCAAATATTTAT).
Molecular consequence: splice donor variant.
Genome position (GRCh38, 1-based): chr17:31,335,036-31,335,056, TGAGTTTGCTCAAATATTTAT deleted; deleting any 21 consecutive bases within chr17:31,335,033-31,335,056 gives the same sequence; the c. name uses the placement nearest the transcript's 3' end. VCF-style (leftmost placement, unchanged base first): chr17-31335032-GTATTGAGTTTGCTCAAATATT-G. GRCh37 (hg19) VCF-style: chr17-29662050-GTATTGAGTTTGCTCAAATATT-G.
Other names: c.5943+5_5943+25del21 (NM_000267.3); c.5943+5_5943+25delTGAGTTTGCTCAAATATTTAT (NM_000267.3); c.6006+5_6006+25del21 (NM_001042492.2); c.5943+5_5943+25del (NM_000267.4, NM_000267.3).
Identifiers: ClinVar variation 481949 (VCV000481949.16), dbSNP rs1555534435, ClinGen allele CA658658558.
Genomic context (GRCh38, chr17:31,335,032, plus strand): 5'-ATCAATGAAAAACAGATGTACCCATCTATTCAAGCAAAAATATGGGGAAGCCTTGGGCAG[GTATTGAGTTTGCTCAAATATT>G]TATCTAGTATCTCCTTTGTGCACATATTTATCTGGTGCCACATTGGGCAAAGCACTGCGC-3'

ClinVar aggregate classification (germline): Conflicting classifications of pathogenicity. Review status: criteria provided, conflicting classifications (1 of 4 stars). 4 submissions from 4 submitters: Uncertain significance (2); Likely benign (1). 1 of the submissions does not count toward it. Last evaluated 2025-12-08.

Conditions:
NF1-related disorder. Also called: NF1-related condition. Identifiers: MedGen CN379171.
Cardiovascular phenotype. Identifiers: MedGen CN230736.
Hereditary cancer-predisposing syndrome. Also called: Hereditary neoplastic syndrome; Neoplastic Syndromes, Hereditary; Tumor predisposition; Hereditary Cancer Syndrome. Identifiers: Orphanet 140162, MedGen C0027672, MeSH D009386, MONDO:0015356.
Neurofibromatosis, type 1 (NF1). Also called: VON RECKLINGHAUSEN DISEASE; Peripheral type neurofibromatosis; NEUROFIBROMATOSIS, TYPE I, SOMATIC; Neurofibromatosis, type I. Identifiers: Orphanet 636, MedGen C0027831, MONDO:0018975, OMIM 162200. Disease mechanism: loss of function.

Submissions (4):

Labcorp Genetics (formerly Invitae), Labcorp
Classification: Uncertain significance for Neurofibromatosis, type 1. Last evaluated: 2025-12-08. Review status: criteria provided, single submitter. Criteria: Invitae Variant Classification Sherloc (09022015). Collection method: clinical testing. Allele origin: germline.
Comment: This sequence change falls in intron 39 of the NF1 gene. It does not directly change the encoded amino acid sequence of the NF1 protein. It affects a nucleotide within the consensus splice site. This variant is not present in population databases (gnomAD no frequency). This variant has not been reported in the literature in individuals affected with NF1-related conditions. ClinVar contains an entry for this variant (Variation ID: 481949). Variants that disrupt the consensus splice site are a relatively common cause of aberrant splicing (PMID: 17576681, 9536098). RNA analysis provides insufficient evidence to determine the effect of this variant on NF1 splicing (internal data). In summary, the available evidence is currently insufficient to determine the role of this variant in disease. Therefore, it has been classified as a Variant of Uncertain Significance.

Genome-Nilou Lab
Classification: Uncertain significance for Neurofibromatosis, type 1. Last evaluated: 2022-03-15. Review status: criteria provided, single submitter. Criteria: ACMG Guidelines, 2015. Collection method: clinical testing. Allele origin: germline. Affected: no.

Ambry Genetics
Classification: Likely benign for Cardiovascular phenotype; Hereditary cancer-predisposing syndrome. Last evaluated: 2021-08-12. Review status: criteria provided, single submitter. Criteria: Ambry Variant Classification Scheme 2023. Collection method: clinical testing. Allele origin: germline.

PreventionGenetics, part of Exact Sciences
Classification: Likely benign for NF1-related condition. Last evaluated: 2021-05-12. Review status: no assertion criteria provided. Collection method: clinical testing. Allele origin: germline. Not counted in ClinVar's aggregate classification.
Comment: This variant is classified as likely benign based on ACMG/AMP sequence variant interpretation guidelines (Richards et al. 2015 PMID: 25741868, with internal and published modifications).

Literature cited by the submitters: PubMed 17576681 (cited by Labcorp Genetics (formerly Invitae), Labcorp); PubMed 9536098 (cited by Labcorp Genetics (formerly Invitae), Labcorp).